The following is an entry in ClinVar:

ClinVar aggregate classification (germline): Conflicting classifications of pathogenicity. Review status: criteria provided, conflicting classifications (1 of 4 stars). 3 submissions from 3 submitters: Uncertain significance (2); Likely benign (1). Last evaluated 2026-05-27.

Conditions:
Aicardi-Goutieres syndrome 7 (AGS7). Identifiers: Orphanet 51, MedGen C3888244, MONDO:0014367, OMIM 615846.
Singleton-Merten syndrome 1 (SGMRT1). Also called: Widened medullary cavities of bone, aortic calcification, abnormal dentition, and muscular weakness; Syndrome of widened medullary cavities of the metacarpals and phalanges, aortic calcification and abnormal dentition. Identifiers: Orphanet 85191, MedGen C4225427, MONDO:0024535, OMIM 182250.

gnomAD v4.1: 1 of 1,613,918 alleles (0.000062%); no homozygotes.

Submissions (3):

Women's Health and Genetics/Laboratory Corporation of America, LabCorp
Classification: Uncertain significance. Last evaluated: 2026-05-27. Review status: criteria provided, single submitter. Criteria: LabCorp Variant Classification Summary - May 2015. Collection method: clinical testing. Allele origin: germline.
Comment: Variant summary: IFIH1 c.655C>T (p.Gln219X) results in a premature termination codon, predicted to cause a truncation of the encoded protein or absence of the protein due to nonsense mediated decay, however current evidence is not sufficient to establish loss of function as a mechanism for disease. The variant was absent in 251232 control chromosomes. The available data on variant occurrences in the general population are insufficient to allow any conclusion about variant significance. To our knowledge, no occurrence of c.655C>T in individuals affected with IFIH1-related conditions and no experimental evidence demonstrating its impact on protein function have been reported. ClinVar contains an entry for this variant (Variation ID: 3573701). Based on the evidence outlined above, the variant was classified as uncertain significance.

GeneDx
Classification: Uncertain significance. Last evaluated: 2024-07-14. Review status: criteria provided, single submitter. Criteria: GeneDx Variant Classification Process June 2021. Collection method: clinical testing. Allele origin: germline. Affected: yes.
Comment: Not observed at significant frequency in large population cohorts (gnomAD); Has not been previously published as pathogenic or benign to our knowledge; Nonsense variant predicted to result in protein truncation or nonsense mediated decay in a gene for which loss-of-function is not a known mechanism of disease

Labcorp Genetics (formerly Invitae), Labcorp
Classification: Likely benign for Aicardi-Goutieres syndrome 7; Singleton-Merten syndrome 1. Last evaluated: 2024-05-22. Review status: criteria provided, single submitter. Criteria: Invitae Variant Classification Sherloc (09022015). Collection method: clinical testing. Allele origin: germline.

NM_022168.4(IFIH1):c.655C>T (p.Gln219Ter)

Gene: IFIH1 (interferon induced with helicase C domain 1; minus strand). Cytogenetic location: 2q24.2.
Variant type: single nucleotide variant.
Coding change: c.655C>T on transcript NM_022168.4 (MANE Select); coding-DNA position 655, C replaced by T.
Protein change: p.Gln219Ter; replaces glutamine 219 with a stop codon.
Molecular consequence: nonsense.
Genome position (GRCh38, 1-based): chr2:162,306,823, G>A on the plus strand (C>T on the coding strand, the complement: IFIH1 is on the minus strand). VCF-style: chr2-162306823-G-A. GRCh37 (hg19) VCF-style: chr2-163163333-G-A.
Other names: short protein forms Q219*.
Identifiers: ClinVar variation 3573701 (VCV003573701.4).